The following is an entry in ClinVar:

ClinVar aggregate classification (germline): Uncertain significance (1 of 4 stars; one submission).

Conditions:
Spermatogenic failure 11 (SPGF11). Identifiers: MedGen C3554453, MONDO:0014037, OMIM 615081.

Allele frequency attached by ClinVar (database versions not stated): gnomAD exomes 0.00001 and 0.00004; ExAC 0.00004; gnomAD 0.00005 and 0.00006; TOPMed 0.00005; ESP Exome Variant Server 0.00008.
gnomAD v4.1: 27 of 1,614,062 alleles (0.0017%); highest among the groups gnomAD compares: African/African-American, 0.02%; no homozygotes.

Submission:

Baylor Genetics
Classification: Uncertain significance for Spermatogenic failure 11. Last evaluated: 2019-08-27. Review status: criteria provided, single submitter. Criteria: ACMG Guidelines, 2015. Collection method: clinical testing. Allele origin: unknown. Affected: yes.
Comment: This variant was determined to be of uncertain significance according to ACMG Guidelines, 2015 [PMID:25741868].

NM_152467.5(KLHL10):c.923T>C (p.Ile308Thr)

Gene: KLHL10 (kelch like family member 10; plus strand). Cytogenetic location: 17q21.2.
Variant type: single nucleotide variant.
Coding change: c.923T>C on transcript NM_152467.5 (MANE Select); coding-DNA position 923, T replaced by C.
Protein change: p.Ile308Thr; replaces isoleucine 308 with threonine.
Molecular consequence: missense variant.
Genome position (GRCh38, 1-based): chr17:41,845,364, T>C. VCF-style: chr17-41845364-T-C. GRCh37 (hg19) VCF-style: chr17-40001616-T-C.
Other names: c.923T>C, p.Ile308Thr (NM_001329595.1); c.659T>C, p.Ile220Thr (NM_001329596.2); short protein forms I308T, I220T.
Identifiers: ClinVar variation 1030262 (VCV001030262.1), dbSNP rs377399919, ClinGen allele CA8567294.